The following is an entry in ClinVar:

NM_001401501.2(MUC16):c.44172G>A (p.Leu14724=)

Gene: MUC16 (mucin 16, cell surface associated; minus strand). Cytogenetic location: 19p13.2.
Variant type: single nucleotide variant.
Coding change: c.44172G>A on transcript NM_001401501.2 (MANE Select); coding-DNA position 44172, G replaced by A.
Protein change: p.Leu14724=; no amino-acid change (leucine 14724 retained).
Molecular consequence: synonymous variant.
Genome position (GRCh38, 1-based): chr19:8,882,767, C>T on the plus strand (G>A on the coding strand, the complement: MUC16 is on the minus strand). VCF-style: chr19-8882767-C-T. GRCh37 (hg19) VCF-style: chr19-8993443-C-T.
Other names: c.44598G>A, p.Leu14866= (NM_001414686.1); c.44052G>A, p.Leu14684= (NM_001414687.1); c.41646G>A, p.Leu13882= (NM_024690.2).
Identifiers: ClinVar variation 3042045 (VCV003042045.2), dbSNP rs774165419, ClinGen allele CA305055993.
Genomic context (GRCh38, chr19:8,882,767, plus strand): 5'-GAGACTGTCCCTGTCCAGTGTGTAGGGGCCCAGCTCAGTGATGCTGTGGGTCAGCTGGCT[C>T]AGCTCCAAATACAGCTGCTCTCTGTCCAGCCCAGGGCCTGTGGGGTCAGGGCGGTGGGTG-3'
Protein context (NP_001388430.1, residues 14714-14734): GLDREQLYLE[Leu14724=]SQLTHSITEL

ClinVar aggregate classification (germline): Benign (0 of 4 stars; one submission).

Conditions:
MUC16-related disorder. Also called: MUC16-related condition.

Allele frequency attached by ClinVar (database versions not stated): 1000 Genomes Project 30x 0.14756.

Submission:

PreventionGenetics, part of Exact Sciences
Classification: Benign for MUC16-related condition. Last evaluated: 2019-04-11. Review status: no assertion criteria provided. Collection method: clinical testing. Allele origin: germline.
Comment: This variant is classified as benign based on ACMG/AMP sequence variant interpretation guidelines (Richards et al. 2015 PMID: 25741868, with internal and published modifications).